The following is an entry in ClinVar:

NM_001042492.3(NF1):c.4275dup (p.Ile1426fs)

Gene: NF1 (neurofibromin 1; plus strand). Cytogenetic location: 17q11.2.
Variant type: Duplication.
Coding change: c.4275dup on transcript NM_001042492.3 (MANE Select); coding-DNA position 4275, one base duplicated (G; older notation c.4275dupG).
Protein change: p.Ile1426fs; shifts the reading frame from isoleucine 1426.
Molecular consequence: frameshift variant.
Genome position (GRCh38, 1-based): chr17:31,258,445, G duplicated; the last of 3 consecutive G bases (chr17:31,258,443-31,258,445); duplicating any one gives the same sequence. VCF-style (leftmost placement, unchanged base first): chr17-31258442-A-AG. GRCh37 (hg19) VCF-style: chr17-29585460-A-AG.
Other names: c.4212dup, p.Ile1405Aspfs (NM_000267.4); short protein forms I1426fs, I1405fs.
Identifiers: ClinVar variation 863229 (VCV000863229.6), dbSNP rs2067623178, ClinGen allele CA916080599.

ClinVar aggregate classification (germline): Pathogenic (1 of 4 stars; one submission).

Conditions:
Neurofibromatosis, type 1 (NF1). Also called: Neurofibromatosis, type I; VON RECKLINGHAUSEN DISEASE; Peripheral type neurofibromatosis; NEUROFIBROMATOSIS, TYPE I, SOMATIC. Identifiers: Orphanet 636, MedGen C0027831, MONDO:0018975, OMIM 162200. Disease mechanism: loss of function.

Submission:

Labcorp Genetics (formerly Invitae), Labcorp
Classification: Pathogenic for Neurofibromatosis, type 1. Last evaluated: 2019-12-04. Review status: criteria provided, single submitter. Criteria: Invitae Variant Classification Sherloc (09022015). Collection method: clinical testing. Allele origin: germline.
Comment: For these reasons, this variant has been classified as Pathogenic. Loss-of-function variants in NF1 are known to be pathogenic (PMID: 10712197, 23913538). This variant has not been reported in the literature in individuals with NF1-related conditions. This variant is not present in population databases (ExAC no frequency). This sequence change creates a premature translational stop signal (p.Ile1405Aspfs*4) in the NF1 gene. It is expected to result in an absent or disrupted protein product.

Literature cited by the submitters: PubMed 10712197; PubMed 23913538.